The following is an entry in ClinVar:

NM_001374736.1(DST):c.22639G>A (p.Gly7547Arg)

Gene: DST (dystonin; minus strand). Cytogenetic location: 6p12.1.
Variant type: single nucleotide variant.
Coding change: c.22639G>A on transcript NM_001374736.1 (MANE Select); coding-DNA position 22639, G replaced by A.
Protein change: p.Gly7547Arg; replaces glycine 7547 with arginine.
Molecular consequence: missense variant.
Genome position (GRCh38, 1-based): chr6:56,466,126, C>T on the plus strand (G>A on the coding strand, the complement: DST is on the minus strand). VCF-style: chr6-56466126-C-T. GRCh37 (hg19) VCF-style: chr6-56330924-C-T.
Other names: c.16282G>A, p.Gly5428Arg (NM_001144769.5); c.15868G>A, p.Gly5290Arg (NM_001144770.2); c.22639G>A, p.Gly7547Arg (NM_001374722.1); c.21679G>A, p.Gly7227Arg (NM_001374729.1); c.15421G>A, p.Gly5141Arg (NM_001374730.1); c.22666G>A, p.Gly7556Arg (NM_001374734.1); c.15730G>A, p.Gly5244Arg (NM_001386100.1); c.14770G>A, p.Gly4924Arg (NM_015548.5); and 1 more; short protein forms G5141R, G4924R, G5290R, G7556R, G5244R, G5428R, G7227R, G5250R.
Identifiers: ClinVar variation 1776731 (VCV001776731.2), dbSNP rs2533348454, ClinGen allele CA364505414.

ClinVar aggregate classification (germline): Uncertain significance (1 of 4 stars; one submission).

Conditions:
Inborn genetic diseases. Identifiers: MedGen C0950123, MeSH D030342.

Allele frequency attached by ClinVar (database versions not stated): gnomAD exomes below 0.00001.
gnomAD v4.1: 1 of 1,613,386 alleles (0.000062%); highest among the groups gnomAD compares: Non-Finnish European, 0.000085%; no homozygotes.

Submission:

Ambry Genetics
Classification: Uncertain significance for Inborn genetic diseases. Last evaluated: 2021-03-01. Review status: criteria provided, single submitter. Criteria: Ambry Variant Classification Scheme 2023. Collection method: clinical testing. Allele origin: germline.
Comment: The p.G5428R variant (also known as c.16282G>A), located in coding exon 93 of the DST gene, results from a G to A substitution at nucleotide position 16282. The glycine at codon 5428 is replaced by arginine, an amino acid with dissimilar properties. This amino acid position is highly conserved in available vertebrate species. In addition, this alteration is predicted to be deleterious by in silico analysis. Since supporting evidence is limited at this time, the clinical significance of this alteration remains unclear.